The following is an entry in ClinVar:

NM_004336.5(BUB1):c.1768C>G (p.Leu590Val)

Gene: BUB1 (BUB1 mitotic checkpoint serine/threonine kinase; minus strand). Cytogenetic location: 2q13.
Variant type: single nucleotide variant.
Coding change: c.1768C>G on transcript NM_004336.5 (MANE Select); coding-DNA position 1768, C replaced by G.
Protein change: p.Leu590Val; replaces leucine 590 with valine.
Molecular consequence: missense variant.
Genome position (GRCh38, 1-based): chr2:110,655,847, G>C on the plus strand (C>G on the coding strand, the complement: BUB1 is on the minus strand). VCF-style: chr2-110655847-G-C. GRCh37 (hg19) VCF-style: chr2-111413424-G-C.
Other names: c.1708C>G, p.Leu570Val (NM_001278616.2); c.1768C>G, p.Leu590Val (NM_001278617.2); short protein forms L570V, L590V.
Identifiers: ClinVar variation 3224017 (VCV003224017.1), dbSNP rs199990864, ClinGen allele CA1827977.
Genomic context (GRCh38, chr2:110,655,847, plus strand): 5'-GTGTAGACGCAAGTTGTGCAGCAGATGTGAAGTCTCCTGGGCTCTTAGGACTGGGTGCCA[G>C]GGTTTTGTTGCAGCGAATACCCCATACAGTTGAGTCATCCAAAAACTCTTCAGCATGAGG-3'
Protein context (NP_004327.1, residues 580-600): TVWGIRCNKT[Leu590Val]APSPKSPGDF

ClinVar aggregate classification (germline): Uncertain significance (1 of 4 stars; one submission).

Allele frequency attached by ClinVar (database versions not stated): ExAC 0.00001; gnomAD 0.00001; 1000 Genomes Project 30x 0.00016; 1000 Genomes Project 0.00020.
gnomAD v4.1: 4 of 1,614,042 alleles (0.00025%); highest among the groups gnomAD compares: East Asian, 0.0045%; no homozygotes.

Submission:

Ambry Genetics
Classification: Uncertain significance. Last evaluated: 2023-12-14. Review status: criteria provided, single submitter. Criteria: Ambry Variant Classification Scheme 2023. Collection method: clinical testing. Allele origin: germline.
Comment: The p.L590V variant (also known as c.1768C>G), located in coding exon 16 of the BUB1 gene, results from a C to G substitution at nucleotide position 1768. The leucine at codon 590 is replaced by valine, an amino acid with highly similar properties. This amino acid position is conserved. In addition, this alteration is predicted to be tolerated by in silico analysis. Since supporting evidence is limited at this time, the clinical significance of this alteration remains unclear.